The following is an entry in ClinVar:

NM_198503.5(KCNT2):c.1073delinsGGGG (p.Ile358delinsArgGly)

Gene: KCNT2 (potassium sodium-activated channel subfamily T member 2; minus strand). Cytogenetic location: 1q31.3.
Variant type: Indel.
Coding change: c.1073delinsGGGG on transcript NM_198503.5 (MANE Select); coding-DNA position 1073, T replaced by GGGG.
Protein change: p.Ile358delinsArgGly.
Molecular consequence: inframe indel. On other transcripts: non-coding transcript variant (2).
Genome position (GRCh38, 1-based): chr1:196,425,900, A replaced by CCCC on the plus strand (T replaced by GGGG on the coding strand, the reverse complement: KCNT2 is on the minus strand). VCF-style: chr1-196425900-A-CCCC. GRCh37 (hg19) VCF-style: chr1-196395030-A-CCCC.
Other names: c.1073delinsGGGG, p.Ile358delinsArgGly (NM_001287819.3, NM_001287820.3).
Identifiers: ClinVar variation 5037318 (VCV005037318.1).

ClinVar aggregate classification (germline): Uncertain significance (1 of 4 stars; one submission).

Submission:

GeneDx
Classification: Uncertain significance. Last evaluated: 2026-04-16. Review status: criteria provided, single submitter. Criteria: GeneDx Variant Classification Process June 2021. Collection method: clinical testing. Allele origin: germline.
Comment: Not observed at significant frequency in large population cohorts (gnomAD); In-frame deletion of 1 amino acid and insertion of 2 different amino acids in a non-repeat region; In silico analysis suggests that this variant does not alter protein structure/function; Has not been previously published as pathogenic or benign to our knowledge